The following is an entry in ClinVar:

ClinVar aggregate classification (germline): Likely benign (1 of 4 stars; one submission).

gnomAD v4.1: 36 of 187,848 alleles (0.019%); highest among the groups gnomAD compares: South Asian, 0.16%; no homozygotes.

Submission:

CeGaT Center for Human Genetics Tuebingen
Classification: Likely benign. Last evaluated: 2026-03-01. Review status: criteria provided, single submitter. Criteria: CeGaT Center For Human Genetics Tuebingen Variant Classification Criteria Version 2. Collection method: clinical testing. Allele origin: germline. Affected: yes. Observed: 1 variant allele.
Comment: ZFHX3: BP4, BP7

NM_006885.4(ZFHX3):c.6141T>G (p.Pro2047=)

Genes: ZFHX3 (zinc finger homeobox 3; minus strand), ZFHX3-AS1 (ZFHX3 antisense RNA 1; plus strand). Cytogenetic location: 16q22.2.
Variant type: single nucleotide variant.
Coding change: c.6141T>G on transcript NM_006885.4 (MANE Select); coding-DNA position 6141, T replaced by G.
Protein change: p.Pro2047=; no amino-acid change (proline 2047 retained).
Molecular consequence: synonymous variant.
Genome position (GRCh38, 1-based): chr16:72,796,541, A>C on the plus strand (T>G on the coding strand, the complement: ZFHX3 is on the minus strand). VCF-style: chr16-72796541-A-C. GRCh37 (hg19) VCF-style: chr16-72830440-A-C.
Other names: c.3399T>G, p.Pro1133= (NM_001164766.2); c.6141T>G, p.Pro2047= (NM_001386735.1).
Identifiers: ClinVar variation 4822291 (VCV004822291.4).